The following is an entry in ClinVar:

NM_032119.4(ADGRV1):c.17594+1G>T

Gene: ADGRV1 (adhesion G protein-coupled receptor V1; plus strand). Cytogenetic location: 5q14.3.
Variant type: single nucleotide variant.
Coding change: c.17594+1G>T on transcript NM_032119.4 (MANE Select); the canonical splice donor site of the intron after coding-DNA position 17594, G replaced by T.
Molecular consequence: splice donor variant.
Genome position (GRCh38, 1-based): chr5:90,854,202, G>T. VCF-style: chr5-90854202-G-T. GRCh37 (hg19) VCF-style: chr5-90150019-G-T.
Identifiers: ClinVar variation 3680006 (VCV003680006.2).

ClinVar aggregate classification (germline): Likely pathogenic (1 of 4 stars; one submission).

gnomAD v4.1: 6 of 1,525,078 alleles (0.00039%); highest among the groups gnomAD compares: Non-Finnish European, 0.00053%; no homozygotes.

Submission:

Labcorp Genetics (formerly Invitae), Labcorp
Classification: Likely pathogenic. Last evaluated: 2024-02-02. Review status: criteria provided, single submitter. Criteria: Invitae Variant Classification Sherloc (09022015). Collection method: clinical testing. Allele origin: germline.
Comment: This sequence change affects a donor splice site in intron 81 of the ADGRV1 gene. It is expected to disrupt RNA splicing. Variants that disrupt the donor or acceptor splice site typically lead to a loss of protein function (PMID: 16199547), and loss-of-function variants in ADGRV1 are known to be pathogenic (PMID: 19357117, 22135276, 22147658, 26226137, 30718709, 31047384, 32467589). This variant is not present in population databases (gnomAD no frequency). This variant has not been reported in the literature in individuals affected with ADGRV1-related conditions. Algorithms developed to predict the effect of sequence changes on RNA splicing suggest that this variant may disrupt the consensus splice site. In summary, the currently available evidence indicates that the variant is pathogenic, but additional data are needed to prove that conclusively. Therefore, this variant has been classified as Likely Pathogenic.

Literature cited by the submitters: PubMed 16199547; PubMed 19357117; PubMed 22135276; PubMed 22147658; PubMed 26226137; PubMed 30718709; PubMed 31047384; PubMed 32467589.